The following is an entry in ClinVar:

NM_001395656.1(ROBO2):c.547-3C>T

Gene: ROBO2 (roundabout guidance receptor 2; plus strand). Cytogenetic location: 3p12.3.
Variant type: single nucleotide variant.
Coding change: c.547-3C>T on transcript NM_001395656.1 (MANE Select); 3 bases into the intron before coding-DNA position 547, C replaced by T.
Molecular consequence: intron variant.
Genome position (GRCh38, 1-based): chr3:77,481,096, C>T. VCF-style: chr3-77481096-C-T. GRCh37 (hg19) VCF-style: chr3-77530247-C-T.
Other names: c.595-3C>T (NM_001378191.1, NM_001378195.1, NM_001378196.1 and 5 more transcripts); c.616-3C>T (NM_001394213.1, NM_001378192.1, NM_001378198.1 and 5 more transcripts); c.547-3C>T (NM_001290040.2, NM_001290039.2, NM_001378202.1 and 3 more transcripts); c.-1372-3C>T (NM_001290065.2).
Identifiers: ClinVar variation 346678 (VCV000346678.14), dbSNP rs113680429, ClinGen allele CA2496759.

ClinVar aggregate classification (germline): Benign. Review status: criteria provided, multiple submitters, no conflicts (2 of 4 stars). 3 submissions from 3 submitters: Benign (3). Last evaluated 2026-01-26.

Conditions:
Vesicoureteral reflux 2 (VUR2). Identifiers: Orphanet 289365, MedGen C1970483, MONDO:0012573, OMIM 610878.

Allele frequency attached by ClinVar (database versions not stated): 1000 Genomes Project 30x 0.00984; 1000 Genomes Project 0.00998; TOPMed 0.01621; gnomAD 0.01677 and 0.01708; ExAC 0.01802; gnomAD exomes 0.01822 and 0.02269; ESP Exome Variant Server 0.02070.
gnomAD v4.1: 35,512 of 1,610,044 alleles (2.2%); highest among the groups gnomAD compares: Middle Eastern, 2.9%; 453 homozygotes.

Submissions (6):

Labcorp Genetics (formerly Invitae), Labcorp
Classification: Benign. Last evaluated: 2026-01-26. Review status: criteria provided, single submitter. Criteria: Invitae Variant Classification Sherloc (09022015). Collection method: clinical testing. Allele origin: germline.

Illumina Laboratory Services, Illumina
Classification: Benign for Vesicoureteral reflux 2. Last evaluated: 2018-01-13. Review status: criteria provided, single submitter. Criteria: ICSL Variant Classification Criteria 13 December 2019. Collection method: clinical testing. Allele origin: germline.
Comment: This variant was observed in the ICSL laboratory as part of a predisposition screen in an ostensibly healthy population. It had not been previously curated by ICSL or reported in the Human Gene Mutation Database (HGMD: prior to June 1st, 2018), and was therefore a candidate for classification through an automated scoring system. Utilizing variant allele frequency, disease prevalence and penetrance estimates, and inheritance mode, an automated score was calculated to assess if this variant is too frequent to cause the disease. Based on the score and internal cut-off values, a variant classified as benign is not then subjected to further curation. The score for this variant resulted in a classification of benign for this disease.

Breakthrough Genomics
Classification: Benign. Review status: criteria provided, single submitter. Criteria: ACMG Guidelines, 2015. Collection method: not provided. Allele origin: germline. Inheritance: Autosomal dominant inheritance. Affected: yes.

Dr. Peter K. Rogan Lab, Western University
No classification provided (evidence only). Condition: Sarcoma. Review status: no classification provided. Collection method: in vitro. Allele origin: not applicable. Functional consequence: retained intron. Not counted in ClinVar's aggregate classification.

Dr. Peter K. Rogan Lab, Western University
No classification provided (evidence only). Condition: Chronic lymphocytic leukemia/small lymphocytic lymphoma. Review status: no classification provided. Collection method: in vitro. Allele origin: not applicable. Functional consequence: retained intron. Not counted in ClinVar's aggregate classification.

Dr. Peter K. Rogan Lab, Western University
No classification provided (evidence only). Condition: Chronic lymphocytic leukemia/small lymphocytic lymphoma. Review status: no classification provided. Collection method: in vitro. Allele origin: not applicable. Functional consequence: retained intron. Not counted in ClinVar's aggregate classification.